The following is an entry in ClinVar:

ClinVar aggregate classification (germline): Uncertain significance (1 of 4 stars; one submission).

Conditions:
Progressive sclerosing poliodystrophy (MTDPS4A). Also called: Mitochondrial DNA Depletion Syndrome 4A; Alpers-Huttenlocher Syndrome (AHS); ALPERS PROGRESSIVE INFANTILE POLIODYSTROPHY; NEURONAL DEGENERATION OF CHILDHOOD WITH LIVER DISEASE, PROGRESSIVE; Mitochondrial DNA depletion syndrome 4A (Alpers type); Alpers Syndrome. Identifiers: Orphanet 726, MedGen C0205710, MONDO:0008758, OMIM 203700.

Submission:

Labcorp Genetics (formerly Invitae), Labcorp
Classification: Uncertain significance for Progressive sclerosing poliodystrophy. Last evaluated: 2022-07-25. Review status: criteria provided, single submitter. Criteria: Invitae Variant Classification Sherloc (09022015). Collection method: clinical testing. Allele origin: germline.
Comment: This variant has not been reported in the literature in individuals affected with POLG-related conditions. Algorithms developed to predict the effect of missense changes on protein structure and function output the following: SIFT: "Deleterious"; PolyPhen-2: "Benign"; Align-GVGD: "Class C0". The proline amino acid residue is found in multiple mammalian species, which suggests that this missense change does not adversely affect protein function. In summary, the available evidence is currently insufficient to determine the role of this variant in disease. Therefore, it has been classified as a Variant of Uncertain Significance. This variant is not present in population databases (gnomAD no frequency). This sequence change replaces glutamine, which is neutral and polar, with proline, which is neutral and non-polar, at codon 60 of the POLG protein (p.Gln60Pro).

NM_002693.3(POLG):c.179A>C (p.Gln60Pro)

Genes: POLG (DNA polymerase gamma, catalytic subunit; minus strand), POLGARF (POLG alternative reading frame; minus strand). Cytogenetic location: 15q26.1.
Variant type: single nucleotide variant.
Coding change: c.179A>C on transcript NM_002693.3 (MANE Select); coding-DNA position 179, A replaced by C.
Protein change: p.Gln60Pro; replaces glutamine 60 with proline.
Molecular consequence: missense variant.
Genome position (GRCh38, 1-based): chr15:89,333,576, T>G on the plus strand (A>C on the coding strand, the complement: POLG is on the minus strand). VCF-style: chr15-89333576-T-G. GRCh37 (hg19) VCF-style: chr15-89876807-T-G.
Other names: c.179A>C, p.Gln60Pro (NM_001126131.2); short protein forms Q60P.
Identifiers: ClinVar variation 2119170 (VCV002119170.4), dbSNP rs2509276648, ClinGen allele CA393773858.